The following is an entry in ClinVar:

ClinVar aggregate classification (germline): Benign (1 of 4 stars; one submission).

Allele frequency attached by ClinVar (database versions not stated): 1000 Genomes Project 30x 0.00109; 1000 Genomes Project 0.00120; TOPMed 0.00253; gnomAD 0.00261.
gnomAD v4.1: 392 of 152,302 alleles (0.26%); highest among the groups gnomAD compares: Middle Eastern, 1%; 2 homozygotes.

Submission:

CeGaT Center for Human Genetics Tuebingen
Classification: Benign. Last evaluated: 2022-05-01. Review status: criteria provided, single submitter. Criteria: CeGaT Center For Human Genetics Tuebingen Variant Classification Criteria Version 2. Collection method: clinical testing. Allele origin: germline. Affected: yes. Observed: 1 variant allele.
Comment: CELSR1: BS1, BS2

NM_001378328.1(CELSR1):c.6250+177C>T

Gene: CELSR1 (cadherin EGF LAG seven-pass G-type receptor 1; minus strand). Cytogenetic location: 22q13.31.
Variant type: single nucleotide variant.
Coding change: c.6250+177C>T on transcript NM_001378328.1 (MANE Select); 177 bases into the intron after coding-DNA position 6250, C replaced by T.
Molecular consequence: intron variant.
Genome position (GRCh38, 1-based): chr22:46,391,009, G>A on the plus strand (C>T on the coding strand, the complement: CELSR1 is on the minus strand). VCF-style: chr22-46391009-G-A. GRCh37 (hg19) VCF-style: chr22-46786906-G-A.
Other names: c.6250+177C>T (NM_014246.4).
Identifiers: ClinVar variation 2653323 (VCV002653323.24), dbSNP rs539649983, ClinGen allele CA325170364.